The following is an entry in ClinVar:

ClinVar aggregate classification (germline): Pathogenic. Review status: criteria provided, single submitter (1 of 4 stars). 2 submissions from 2 submitters: Pathogenic (1). 1 of the submissions does not count toward it. Last evaluated 2025-03-20.

Conditions:
Alstrom syndrome (ALMS). Identifiers: Orphanet 64, MedGen C0268425, MONDO:0008763, OMIM 203800.

Submissions (2):

Natera, Inc.
Classification: Pathogenic for Alstrom syndrome. Last evaluated: 2025-03-20. Review status: criteria provided, single submitter. Criteria: Natera Variant Classification Schema (03/2026). Collection method: clinical testing. Allele origin: germline.
Comment: The c.10945G>T variant in ALMS1 is a nonsense variant predicted to introduce a stop codon at amino acid 3649. This variant is expected to result in nonsense mediated decay, truncation, or a dysfunctional protein product. This variant is rare in the general population with a frequency below the threshold expected for the associated phenotype(s). This variant has been observed in one or more individuals affected with the associated recessive disease, as either homozygous or compound heterozygous with a second variant (PMID: 21157496). Given the available evidence, this variant is classified as Pathogenic.

OMIM
Classification: Pathogenic for ALSTROM SYNDROME. Last evaluated: 2011-12-01. Review status: no assertion criteria provided. Collection method: literature only. Allele origin: germline. Not counted in ClinVar's aggregate classification.

Literature cited by the submitters: PubMed 21157496 (cited by Natera, Inc.); PubMed 17594715 (cited by OMIM); PubMed 21901789 (cited by OMIM).

NM_001378454.1(ALMS1):c.10942G>T (p.Glu3648Ter)

Gene: ALMS1 (ALMS1 centrosome and basal body associated protein; plus strand). Cytogenetic location: 2p13.1.
Variant type: single nucleotide variant.
Coding change: c.10942G>T on transcript NM_001378454.1 (MANE Select); coding-DNA position 10942, G replaced by T.
Protein change: p.Glu3648Ter; replaces glutamic acid 3648 with a stop codon.
Molecular consequence: nonsense.
Genome position (GRCh38, 1-based): chr2:73,572,819, G>T. VCF-style: chr2-73572819-G-T. GRCh37 (hg19) VCF-style: chr2-73799946-G-T.
Other names: c.10945G>T, p.Glu3649Ter (NM_015120.4); short protein forms E3649*, E3648*.
Identifiers: ClinVar variation 39748 (VCV000039748.2), dbSNP rs397514576, ClinGen allele CA261212.
Genomic context (GRCh38, chr2:73,572,819, plus strand): 5'-CGACTTGATCGTTTGGCTAAAATTCTTCAGAATCCAATCACACATTCTCTCCAGGTCTCA[G>T]AAAGTACACATGATGATAGCAGAGGGGAACGAAGTGTGAAGGAATGGAGTGGTAGACAAC-3'